The following is an entry in ClinVar:

ClinVar aggregate classification (germline): Uncertain significance (1 of 4 stars; one submission).

Conditions:
Early-infantile DEE. Also called: Early infantile epileptic encephalopathy; Ohtahara syndrome; Early infantile epileptic encephalopathy with suppression bursts. Identifiers: Orphanet 1934, MedGen C0393706, MONDO:0800491.

Submission:

Labcorp Genetics (formerly Invitae), Labcorp
Classification: Uncertain significance for Early-infantile DEE. Last evaluated: 2024-08-28. Review status: criteria provided, single submitter. Criteria: Invitae Variant Classification Sherloc (09022015). Collection method: clinical testing. Allele origin: germline.
Comment: This sequence change replaces methionine, which is neutral and non-polar, with valine, which is neutral and non-polar, at codon 976 of the SCN1A protein (p.Met976Val). This variant is not present in population databases (gnomAD no frequency). This variant has not been reported in the literature in individuals affected with SCN1A-related conditions. Invitae Evidence Modeling of protein sequence and biophysical properties (such as structural, functional, and spatial information, amino acid conservation, physicochemical variation, residue mobility, and thermodynamic stability) indicates that this missense variant is expected to disrupt SCN1A protein function with a positive predictive value of 80%. This variant disrupts the p.Met976Thr amino acid residue in SCN1A. Other variant(s) that disrupt this residue have been determined to be pathogenic (PMID: 19522081, 22071555, 30619928). This suggests that this residue is clinically significant, and that variants that disrupt this residue are likely to be disease-causing. In summary, the available evidence is currently insufficient to determine the role of this variant in disease. Therefore, it has been classified as a Variant of Uncertain Significance.

Literature cited by the submitters: PubMed 19522081; PubMed 22071555; PubMed 30619928.

NM_001165963.4(SCN1A):c.2926A>G (p.Met976Val)

Gene: SCN1A (sodium voltage-gated channel alpha subunit 1; minus strand). Cytogenetic location: 2q24.3.
Variant type: single nucleotide variant.
Coding change: c.2926A>G on transcript NM_001165963.4 (MANE Select); coding-DNA position 2926, A replaced by G.
Protein change: p.Met976Val; replaces methionine 976 with valine.
Molecular consequence: missense variant. On other transcripts: non-coding transcript variant (1).
Genome position (GRCh38, 1-based): chr2:166,037,796, T>C on the plus strand (A>G on the coding strand, the complement: SCN1A is on the minus strand). VCF-style: chr2-166037796-T-C. GRCh37 (hg19) VCF-style: chr2-166894306-T-C.
Other names: c.2842A>G, p.Met948Val (NM_001165964.3, NM_001353957.2, NM_001353958.2); c.2926A>G, p.Met976Val (NM_001202435.3, NM_001353948.2); c.2893A>G, p.Met965Val (NM_001353949.2, NM_001353950.2, NM_001353951.2 and 2 more transcripts); c.2890A>G, p.Met964Val (NM_001353954.2, NM_001353955.2); c.2839A>G, p.Met947Val (NM_001353960.2); c.484A>G, p.Met162Val (NM_001353961.2); short protein forms M965V, M964V, M947V, M948V, M162V, M976V.
Identifiers: ClinVar variation 3634037 (VCV003634037.2).